The following is an entry in ClinVar:

NM_000245.4(MET):c.707A>C (p.Asp236Ala)

Gene: MET (MET proto-oncogene, receptor tyrosine kinase; plus strand). Cytogenetic location: 7q31.2.
Variant type: single nucleotide variant.
Coding change: c.707A>C on transcript NM_000245.4 (MANE Select); coding-DNA position 707, A replaced by C.
Protein change: p.Asp236Ala; replaces aspartic acid 236 with alanine.
Molecular consequence: missense variant. On other transcripts: intron variant (1).
Genome position (GRCh38, 1-based): chr7:116,699,791, A>C. VCF-style: chr7-116699791-A-C. GRCh37 (hg19) VCF-style: chr7-116339845-A-C.
Other names: c.707A>C, p.Asp236Ala (NM_001127500.3, NM_001324401.3); c.-91+27214A>C (NM_001324402.2); short protein forms D236A.
Identifiers: ClinVar variation 2587501 (VCV002587501.2), dbSNP rs2116595880, ClinGen allele CA368969672.
Genomic context (GRCh38, chr7:116,699,791, plus strand): 5'-TGAGAAGGCTAAAGGAAACGAAAGATGGTTTTATGTTTTTGACGGACCAGTCCTACATTG[A>C]TGTTTTACCTGAGTTCAGAGATTCTTACCCCATTAAGTATGTCCATGCCTTTGAAAGCAA-3'
Protein context (NP_000236.2, residues 226-246): FMFLTDQSYI[Asp236Ala]VLPEFRDSYP

ClinVar aggregate classification (germline): Uncertain significance (1 of 4 stars; one submission).

Conditions:
Hereditary cancer-predisposing syndrome. Also called: Tumor predisposition; Hereditary Cancer Syndrome; Hereditary neoplastic syndrome; Neoplastic Syndromes, Hereditary. Identifiers: Orphanet 140162, MedGen C0027672, MeSH D009386, MONDO:0015356.

Submission:

Ambry Genetics
Classification: Uncertain significance for Hereditary cancer-predisposing syndrome. Last evaluated: 2023-09-07. Review status: criteria provided, single submitter. Criteria: Ambry Variant Classification Scheme 2023. Collection method: clinical testing. Allele origin: germline.
Comment: The p.D236A variant (also known as c.707A>C), located in coding exon 1 of the MET gene, results from an A to C substitution at nucleotide position 707. The aspartic acid at codon 236 is replaced by alanine, an amino acid with dissimilar properties. This amino acid position is conserved. In addition, the in silico prediction for this alteration is inconclusive. Since supporting evidence is limited at this time, the clinical significance of this alteration remains unclear.